The following is an entry in ClinVar:

ClinVar aggregate classification (germline): Uncertain significance. Review status: criteria provided, multiple submitters, no conflicts (2 of 4 stars). 3 submissions from 3 submitters: Uncertain significance (2). 1 of the submissions does not count toward it. Last evaluated 2025-06-05.

Conditions:
Hereditary cancer-predisposing syndrome. Also called: Hereditary Cancer Syndrome; Neoplastic Syndromes, Hereditary; Tumor predisposition; Hereditary neoplastic syndrome. Identifiers: Orphanet 140162, MedGen C0027672, MeSH D009386, MONDO:0015356.
Ataxia-telangiectasia syndrome (AT). Also called: Ataxia telangiectasia (A-T); Ataxia-telangiectasia, complementation group E; LOUIS-BAR SYNDROME; Cerebello-oculocutaneous telangiectasia; Immunodeficiency with ataxia telangiectasia; Ataxia-telangiectasia, complementation group D. Identifiers: Orphanet 100, MedGen C0004135, MONDO:0008840, OMIM 208900.

Submissions (3):

Ambry Genetics
Classification: Uncertain significance for Hereditary cancer-predisposing syndrome. Last evaluated: 2025-06-05. Review status: criteria provided, single submitter. Criteria: Ambry Variant Classification Scheme 2023. Collection method: clinical testing. Allele origin: germline.
Comment: The p.E1129K variant (also known as c.3385G>A), located in coding exon 22 of the ATM gene, results from a G to A substitution at nucleotide position 3385. The glutamic acid at codon 1129 is replaced by lysine, an amino acid with similar properties. This amino acid position is well conserved in available vertebrate species. In addition, the in silico prediction for this alteration is inconclusive. Based on the available evidence, the clinical significance of this variant remains unclear.

Labcorp Genetics (formerly Invitae), Labcorp
Classification: Uncertain significance for Ataxia-telangiectasia syndrome. Last evaluated: 2024-02-02. Review status: criteria provided, single submitter. Criteria: Invitae Variant Classification Sherloc (09022015). Collection method: clinical testing. Allele origin: germline.
Comment: This sequence change replaces glutamic acid, which is acidic and polar, with lysine, which is basic and polar, at codon 1129 of the ATM protein (p.Glu1129Lys). This variant is not present in population databases (gnomAD no frequency). This variant has not been reported in the literature in individuals affected with ATM-related conditions. ClinVar contains an entry for this variant (Variation ID: 230248). An algorithm developed to predict the effect of missense changes on protein structure and function (PolyPhen-2) suggests that this variant is likely to be tolerated. In summary, the available evidence is currently insufficient to determine the role of this variant in disease. Therefore, it has been classified as a Variant of Uncertain Significance.

Natera, Inc.
Classification: Uncertain significance for Ataxia-telangiectasia. Last evaluated: 2020-09-19. Review status: no assertion criteria provided. Collection method: clinical testing. Allele origin: germline. Not counted in ClinVar's aggregate classification.

NM_000051.4(ATM):c.3385G>A (p.Glu1129Lys)

Gene: ATM (ATM serine/threonine kinase; plus strand). Cytogenetic location: 11q22.3.
Variant type: single nucleotide variant.
Coding change: c.3385G>A on transcript NM_000051.4 (MANE Select); coding-DNA position 3385, G replaced by A.
Protein change: p.Glu1129Lys; replaces glutamic acid 1129 with lysine.
Molecular consequence: missense variant.
Genome position (GRCh38, 1-based): chr11:108,279,591, G>A. VCF-style: chr11-108279591-G-A. GRCh37 (hg19) VCF-style: chr11-108150318-G-A.
Other names: c.3385G>A, p.Glu1129Lys (NM_001351834.2); short protein forms E1129K.
Identifiers: ClinVar variation 230248 (VCV000230248.14), dbSNP rs876658463, ClinGen allele CA10579104.